The following is an entry in ClinVar:

NM_001370259.2(MEN1):c.983A>G (p.His328Arg)

Gene: MEN1 (menin 1; minus strand). Cytogenetic location: 11q13.1.
Variant type: single nucleotide variant.
Coding change: c.983A>G on transcript NM_001370259.2 (MANE Select); coding-DNA position 983, A replaced by G.
Protein change: p.His328Arg; replaces histidine 328 with arginine.
Molecular consequence: missense variant. On other transcripts: non-coding transcript variant (4).
Genome position (GRCh38, 1-based): chr11:64,806,298, T>C on the plus strand (A>G on the coding strand, the complement: MEN1 is on the minus strand). VCF-style: chr11-64806298-T-C. GRCh37 (hg19) VCF-style: chr11-64573770-T-C.
Other names: c.998A>G, p.His333Arg (NM_000244.4, NM_001407145.1, NM_001407150.1 and 5 more transcripts); c.983A>G, p.His328Arg (NM_001370251.2, NM_001370260.2, NM_001370261.2 and 7 more transcripts); c.878A>G, p.His293Arg (NM_001370262.2, NM_001370263.2, NM_001407148.1 and 2 more transcripts); short protein forms H328R, H333R, H293R.
Identifiers: ClinVar variation 4706102 (VCV004706102.1).
Genomic context (GRCh38, chr11:64,806,298, plus strand): 5'-ATGACAGTGGCCGTGTCCGCCCAGGCCTGCAGGGCTTCCCGCACATTGCGGTTGCGACAG[T>C]GGTAGCCAGCCAGGTACATGTAGGGGTAGATGTGTTCATCCCGATAGTAGGTCTTGGCTG-3'
Protein context (NP_001357188.2, residues 318-338): IYPYMYLAGY[His328Arg]CRNRNVREAL

ClinVar aggregate classification (germline): Likely pathogenic (1 of 4 stars; one submission).

Conditions:
Multiple endocrine neoplasia, type 1 (MEN1). Also called: MEN I; WERMER SYNDROME; Endocrine adenomatosis multiple; MEN 1; MEA I. Identifiers: Orphanet 652, MedGen C0025267, MeSH D018761, MONDO:0007540, OMIM 131100.

Submission:

Labcorp Genetics (formerly Invitae), Labcorp
Classification: Likely pathogenic for Multiple endocrine neoplasia, type 1. Last evaluated: 2025-08-29. Review status: criteria provided, single submitter. Criteria: Invitae Variant Classification Sherloc (09022015). Collection method: clinical testing. Allele origin: germline.
Comment: This sequence change replaces histidine, which is basic and polar, with arginine, which is basic and polar, at codon 328 of the MEN1 protein (p.His328Arg). This variant is not present in population databases (gnomAD no frequency). This variant has not been reported in the literature in individuals affected with MEN1-related conditions. Invitae Evidence Modeling of protein sequence and biophysical properties (such as structural, functional, and spatial information, amino acid conservation, physicochemical variation, residue mobility, and thermodynamic stability) indicates that this missense variant is expected to disrupt MEN1 protein function with a positive predictive value of 95%. This variant disrupts the p.His328 amino acid residue in MEN1. Other variant(s) that disrupt this residue have been determined to be pathogenic (internal data). This suggests that this residue is clinically significant, and that variants that disrupt this residue are likely to be disease-causing. In summary, the currently available evidence indicates that the variant is pathogenic, but additional data are needed to prove that conclusively. Therefore, this variant has been classified as Likely Pathogenic.